The following is an entry in ClinVar:

ClinVar aggregate classification (germline): Uncertain significance (1 of 4 stars; one submission).

Submission:

Labcorp Genetics (formerly Invitae), Labcorp
Classification: Uncertain significance. Last evaluated: 2020-12-04. Review status: criteria provided, single submitter. Criteria: Invitae Variant Classification Sherloc (09022015). Collection method: clinical testing. Allele origin: germline.
Comment: This variant has not been reported in the literature in individuals with IFNAR1-related conditions. This variant is not present in population databases (ExAC no frequency). This sequence change replaces asparagine with isoleucine at codon 540 of the IFNAR1 protein (p.Asn540Ile). The asparagine residue is highly conserved and there is a large physicochemical difference between asparagine and isoleucine. Algorithms developed to predict the effect of missense changes on protein structure and function output the following: SIFT: "Deleterious"; PolyPhen-2: "Probably Damaging"; Align-GVGD: "Class C0". The isoleucine amino acid residue is found in multiple mammalian species, suggesting that this missense change does not adversely affect protein function. These predictions have not been confirmed by published functional studies and their clinical significance is uncertain. In summary, the available evidence is currently insufficient to determine the role of this variant in disease. Therefore, it has been classified as a Variant of Uncertain Significance.

NM_000629.3(IFNAR1):c.1619A>T (p.Asn540Ile)

Gene: IFNAR1 (interferon alpha and beta receptor subunit 1; plus strand). Cytogenetic location: 21q22.11.
Variant type: single nucleotide variant.
Coding change: c.1619A>T on transcript NM_000629.3 (MANE Select); coding-DNA position 1619, A replaced by T.
Protein change: p.Asn540Ile; replaces asparagine 540 with isoleucine.
Molecular consequence: missense variant. On other transcripts: 3 prime UTR variant (1).
Genome position (GRCh38, 1-based): chr21:33,355,494, A>T. VCF-style: chr21-33355494-A-T. GRCh37 (hg19) VCF-style: chr21-34727800-A-T.
Other names: c.1619A>T, p.Asn540Ile (NM_001384498.1); c.*168A>T (NM_001384499.1); c.857A>T, p.Asn286Ile (NM_001384500.1); c.1589A>T, p.Asn530Ile (NM_001384501.1); c.1157A>T, p.Asn386Ile (NM_001384502.1); c.1604A>T, p.Asn535Ile (NM_001384503.1); c.1412A>T, p.Asn471Ile (NM_001384504.1); short protein forms N540I, N471I, N530I, N535I, N286I, N386I.
Identifiers: ClinVar variation 1353731 (VCV001353731.6), dbSNP rs993551631, ClinGen allele CA320148834.
Genomic context (GRCh38, chr21:33,355,494, plus strand): 5'-CTGATGAAGATCATAAAAAATACAGTTCCCAAACTAGCCAAGATTCAGGAAATTATTCTA[A>T]TGAAGATGAAAGCGAAAGTAAAACAAGTGAAGAACTACAGCAGGACTTTGTATGACCAGA-3'
Protein context (NP_000620.2, residues 530-550): QTSQDSGNYS[Asn540Ile]EDESESKTSE